The following is an entry in ClinVar:

NM_145239.3(PRRT2):c.347_348del (p.Lys116fs)

Genes: MVP-DT (MVP divergent transcript; minus strand), PRRT2 (proline rich transmembrane protein 2; plus strand). Cytogenetic location: 16p11.2.
Variant type: Deletion.
Coding change: c.347_348del on transcript NM_145239.3 (MANE Select); coding-DNA positions 347 to 348, 2 bases deleted (AA; older notation c.347_348delAA).
Protein change: p.Lys116fs; shifts the reading frame from lysine 116.
Molecular consequence: frameshift variant.
Genome position (GRCh38, 1-based): chr16:29,813,401-29,813,402, AA deleted; deleting any 2 consecutive bases within chr16:29,813,400-29,813,402 gives the same sequence; the c. name uses the placement nearest the transcript's 3' end. VCF-style (leftmost placement, unchanged base first): chr16-29813399-CAA-C. GRCh37 (hg19) VCF-style: chr16-29824720-CAA-C.
Other names: c.347_348del, p.Lys116fs (NM_001256442.2, NM_001256443.2); short protein forms K116fs.
Identifiers: ClinVar variation 2849979 (VCV002849979.3), dbSNP rs2543332802, ClinGen allele CA2632604081.
Genomic context (GRCh38, chr16:29,813,399, plus strand): 5'-AAAGGCCAACTGCAGCCCCGAAGACCCATGCCAAGAAACAGTGTCCAAACCAGAAGTGAG[CAA>C]AGAGGCCACTGCAGACCAGGGGTCCAGGCTGGAGTCTGCAGCCCCACCTGAACCAGCCCC-3'

ClinVar aggregate classification (germline): Pathogenic (1 of 4 stars; one submission).

Conditions:
Episodic kinesigenic dyskinesia (EKD). Also called: Paroxysmal kinesigenic dyskinesia. Identifiers: Orphanet 98809, MedGen C1868682, MONDO:0044202.

Submission:

Labcorp Genetics (formerly Invitae), Labcorp
Classification: Pathogenic for Episodic kinesigenic dyskinesia. Last evaluated: 2023-03-27. Review status: criteria provided, single submitter. Criteria: Invitae Variant Classification Sherloc (09022015). Collection method: clinical testing. Allele origin: germline.
Comment: For these reasons, this variant has been classified as Pathogenic. This variant has not been reported in the literature in individuals affected with PRRT2-related conditions. This variant is not present in population databases (gnomAD no frequency). This sequence change creates a premature translational stop signal (p.Lys116Argfs*17) in the PRRT2 gene. It is expected to result in an absent or disrupted protein product. Loss-of-function variants in PRRT2 are known to be pathogenic (PMID: 22623405, 22744660).

Literature cited by the submitters: PubMed 22623405; PubMed 22744660.